The following is an entry in ClinVar:

NM_007294.4(BRCA1):c.1657_1680dup (p.Asp560_Ser561insHisGluAsnLysThrLysGlyAsp)

Gene: BRCA1 (BRCA1 DNA repair associated; minus strand). Cytogenetic location: 17q21.31.
Variant type: Duplication.
Coding change: c.1657_1680dup on transcript NM_007294.4 (MANE Select); coding-DNA positions 1657 to 1680, 24 bases duplicated (CATGAGAATAAAACAAAAGGTGAT).
Protein change: p.Asp560_Ser561insHisGluAsnLysThrLysGlyAsp.
Molecular consequence: inframe insertion. On other transcripts: inframe indel (1), intron variant (137).
Genome position (GRCh38, 1-based): chr17:43,093,851-43,093,874, ATCACCTTTTGTTTTATTCTCATG duplicated on the plus strand (CATGAGAATAAAACAAAAGGTGAT on the coding strand, the reverse complement: BRCA1 is on the minus strand); duplicating any 24 consecutive bases within chr17:43,093,851-43,093,875 gives the same sequence; the c. name uses the placement nearest the transcript's 3' end. VCF-style (leftmost placement, unchanged base first): chr17-43093850-A-AATCACCTTTTGTTTTATTCTCATG. GRCh37 (hg19) VCF-style: chr17-41245867-A-AATCACCTTTTGTTTTATTCTCATG.
Other names: c.1657_1680dupCATGAGAATAAAACAAAAGGTGAT (NM_007294.3); c.1444_1467dup, p.Asp489_Ser490insHisGluAsnLysThrLysGlyAsp (NM_001407571.1, NM_001407853.1, NM_001407894.1 and 9 more transcripts); c.1657_1680dup, p.Asp560_Ser561insHisGluAsnLysThrLysGlyAsp (NM_001407581.1, NM_001407582.1, NM_001407583.1 and 30 more transcripts); c.1654_1677dup, p.Asp559_Ser560insHisGluAsnLysThrLysGlyAsp (NM_001407587.1, NM_001407590.1, NM_001407591.1 and 22 more transcripts); c.1648_1671dup, p.Asp557_Ser558insHisGluAsnLysThrLysGlyAsp (NM_001407646.1, NM_001407647.1); c.1534_1557dup, p.Asp519_Ser520insHisGluAsnLysThrLysGlyAsp (NM_001407648.1, NM_001407680.1, NM_001407681.1 and 19 more transcripts); c.1531_1554dup, p.Asp518_Ser519insHisGluAsnLysThrLysGlyAsp (NM_001407649.1, NM_001407685.1, NM_001407686.1 and 11 more transcripts); c.1579_1602dup, p.Asp534_Ser535insHisGluAsnLysThrLysGlyAsp (NM_001407653.1, NM_001407654.1, NM_001407655.1 and 4 more transcripts); and 41 more.
Identifiers: ClinVar variation 1018104 (VCV001018104.21), dbSNP rs2053901411, ClinGen allele CA2260784348.
Genomic context (GRCh38, chr17:43,093,850, plus strand): 5'-TGAAAGCAGATTCTTTTTCGAGTGATTCTATTGGGTTAGGATTTTTCTCATTCTGAATAG[A>AATCACCTTTTGTTTTATTCTCATG]ATCACCTTTTGTTTTATTCTCATGACCACTATTAGTAATATTCATCACTTGACCATTCTG-3'

ClinVar aggregate classification (germline): Uncertain significance. Review status: criteria provided, multiple submitters, no conflicts (2 of 4 stars). 3 submissions from 3 submitters: Uncertain significance (3). Last evaluated 2023-11-20.

Conditions:
Breast-ovarian cancer, familial, susceptibility to, 1 (BROVCA1). Also called: BRCA1 Hereditary Breast and Ovarian Cancer; OVARIAN CANCER, SUSCEPTIBILITY TO. Identifiers: Orphanet 145, MedGen C2676676, MONDO:0011450, OMIM 604370. Disease mechanism: loss of function.
Hereditary cancer-predisposing syndrome. Also called: Tumor predisposition; Hereditary Cancer Syndrome; Hereditary neoplastic syndrome; Neoplastic Syndromes, Hereditary. Identifiers: Orphanet 140162, MedGen C0027672, MeSH D009386, MONDO:0015356.
Hereditary breast ovarian cancer syndrome. Also called: Hereditary breast and ovarian cancer syndrome; Hereditary breast and ovarian cancer syndrome (HBOC); Breast and ovarian cancer; Hereditary breast and ovarian cancer; Hereditary breast and/or ovarian cancer syndrome; BRCA1- and BRCA2-Associated Hereditary Breast and Ovarian Cancer. Identifiers: Orphanet 145, MedGen C0677776, MeSH D061325, MONDO:0003582. Disease mechanism: loss of function.

Submissions (3):

All of Us Research Program, National Institutes of Health
Classification: Uncertain significance for Breast-ovarian cancer, familial, susceptibility to, 1. Last evaluated: 2023-11-20. Review status: criteria provided, single submitter. Criteria: ACMG Guidelines, 2015. Collection method: clinical testing. Allele origin: germline. Inheritance: Autosomal dominant inheritance. Observed: 1 variant allele, 1 heterozygote.
Comment: This variant causes an in-frame duplication of 8 amino acids inserted between codons 560 and 561 in a region of the BRCA1 protein with no known functional domain. This variant is also known as p.Asp560_Ser561insHisGluAsnLysThrLysGlyAsp and 1799ins24. To our knowledge, functional studies have not been reported for this variant. This variant has not been reported in individuals affected with BRCA1-related disorders in the literature. This variant has not been identified in the general population by the Genome Aggregation Database (gnomAD). The available evidence is insufficient to determine the role of this variant in disease conclusively. Therefore, this variant is classified as a Variant of Uncertain Significance.

This study involves interpretation of variants in research participants for the purpose of population health screening. Participant phenotype was not available at the time of variant classification. Additional details can be found in publication PMID: 35346344, PMCID: PMC8962531

Labcorp Genetics (formerly Invitae), Labcorp
Classification: Uncertain significance for Hereditary breast ovarian cancer syndrome. Last evaluated: 2023-08-08. Review status: criteria provided, single submitter. Criteria: Invitae Variant Classification Sherloc (09022015). Collection method: clinical testing. Allele origin: germline.
Comment: This variant, c.1657_1680dup, results in the insertion of 8 amino acid(s) of the BRCA1 protein (p.His553_Asp560dup), but otherwise preserves the integrity of the reading frame. This variant is not present in population databases (gnomAD no frequency). This variant has not been reported in the literature in individuals affected with BRCA1-related conditions. ClinVar contains an entry for this variant (Variation ID: 1018104). Experimental studies and prediction algorithms are not available or were not evaluated, and the functional significance of this variant is currently unknown. In summary, the available evidence is currently insufficient to determine the role of this variant in disease. Therefore, it has been classified as a Variant of Uncertain Significance.

Ambry Genetics
Classification: Uncertain significance for Hereditary cancer-predisposing syndrome. Last evaluated: 2022-09-20. Review status: criteria provided, single submitter. Criteria: Ambry Variant Classification Scheme 2023. Collection method: clinical testing. Allele origin: germline.
Comment: The c.1657_1680dup24 variant (also known as p.H553_D560dup), located in coding exon 9 of the BRCA1 gene, results from an in-frame duplication of 24 nucleotides at nucleotide positions 1657 to 1680. This results in the duplication of 8 extra residues (HENKTKGD) between codons 553 and 560. This amino acid region is not well conserved in available vertebrate species. Since supporting evidence is limited at this time, the clinical significance of this alteration remains unclear.